The following is an entry in ClinVar:

NM_006662.3(SRCAP):c.2999C>G (p.Pro1000Arg)

Gene: SRCAP (Snf2 related CREBBP activator protein; plus strand). Cytogenetic location: 16p11.2.
Variant type: single nucleotide variant.
Coding change: c.2999C>G on transcript NM_006662.3 (MANE Select); coding-DNA position 2999, C replaced by G.
Protein change: p.Pro1000Arg; replaces proline 1000 with arginine.
Molecular consequence: missense variant.
Genome position (GRCh38, 1-based): chr16:30,720,724, C>G. VCF-style: chr16-30720724-C-G. GRCh37 (hg19) VCF-style: chr16-30732045-C-G.
Other names: short protein forms P1000R.
Identifiers: ClinVar variation 2761385 (VCV002761385.4), dbSNP rs755425802, ClinGen allele CA8011386.

ClinVar aggregate classification (germline): Uncertain significance. Review status: criteria provided, multiple submitters, no conflicts (2 of 4 stars). 2 submissions from 2 submitters: Uncertain significance (2). Last evaluated 2024-02-01.

Conditions:
Developmental delay, hypotonia, musculoskeletal defects, and behavioral abnormalities. Identifiers: MedGen C5562012, MONDO:0859202, OMIM 619595.
Floating-Harbor syndrome (FLHS). Also called: SRCAP-Related Floating-Harbor Syndrome; Short stature with delayed bone age, expressive language delay, a triangular face with a prominent nose and deep-set eyes; Pelletier-Leisti syndrome. Identifiers: Orphanet 2044, MedGen C0729582, MONDO:0007621, OMIM 136140.

Allele frequency attached by ClinVar (database versions not stated): ExAC 0.00001.

Submissions (2):

Fulgent Genetics
Classification: Uncertain significance for Floating-Harbor syndrome; Developmental delay, hypotonia, musculoskeletal defects, and behavioral abnormalities. Last evaluated: 2024-02-01. Review status: criteria provided, single submitter. Criteria: ACMG Guidelines, 2015. Collection method: clinical testing. Allele origin: germline.

Labcorp Genetics (formerly Invitae), Labcorp
Classification: Uncertain significance. Last evaluated: 2023-11-27. Review status: criteria provided, single submitter. Criteria: Invitae Variant Classification Sherloc (09022015). Collection method: clinical testing. Allele origin: germline.
Comment: This sequence change replaces proline, which is neutral and non-polar, with arginine, which is basic and polar, at codon 1000 of the SRCAP protein (p.Pro1000Arg). This variant is present in population databases (rs755425802, gnomAD 0.001%). This variant has not been reported in the literature in individuals affected with SRCAP-related conditions. Advanced modeling of protein sequence and biophysical properties (such as structural, functional, and spatial information, amino acid conservation, physicochemical variation, residue mobility, and thermodynamic stability) performed at Invitae indicates that this missense variant is not expected to disrupt SRCAP protein function with a negative predictive value of 80%. In summary, the available evidence is currently insufficient to determine the role of this variant in disease. Therefore, it has been classified as a Variant of Uncertain Significance.